The following is an entry in ClinVar:

NM_018297.4(NGLY1):c.904_905del (p.Leu302fs)

Gene: NGLY1 (N-glycanase 1; minus strand). Cytogenetic location: 3p24.2.
Variant type: Deletion.
Coding change: c.904_905del on transcript NM_018297.4 (MANE Select); coding-DNA positions 904 to 905, 2 bases deleted (TT; older notation c.904_905delTT).
Protein change: p.Leu302fs; shifts the reading frame from leucine 302.
Molecular consequence: frameshift variant.
Genome position (GRCh38, 1-based): chr3:25,737,432-25,737,433, AA deleted on the plus strand (TT on the coding strand, the reverse complement: NGLY1 is on the minus strand); deleting any 2 consecutive bases within chr3:25,737,432-25,737,435 gives the same sequence; the c. name uses the placement nearest the transcript's 3' end. VCF-style (leftmost placement, unchanged base first): chr3-25737431-CAA-C. GRCh37 (hg19) VCF-style: chr3-25778922-CAA-C.
Other names: c.904_905del (NM_018297.3); c.904_905del, p.Leu302fs (NM_001145293.2, NM_001145295.2); c.778_779del, p.Leu260fs (NM_001145294.2); short protein forms L260fs, L302fs.
Identifiers: ClinVar variation 1458545 (VCV001458545.7), dbSNP rs2125479237, ClinGen allele CA2515628065.

ClinVar aggregate classification (germline): Pathogenic. Review status: criteria provided, multiple submitters, no conflicts (2 of 4 stars). 2 submissions from 2 submitters: Pathogenic (2). Last evaluated 2025-05-13.

Conditions:
Congenital disorder of deglycosylation (CDDG). Identifiers: MedGen C3808991, MONDO:0031376.

Submissions (2):

GeneDx
Classification: Pathogenic. Last evaluated: 2025-05-13. Review status: criteria provided, single submitter. Criteria: GeneDx Variant Classification Process June 2021. Collection method: clinical testing. Allele origin: germline. Affected: yes.
Comment: Reported as a heterozygous variant in an unaffected individual in the published literature (PMID: 31980526); Frameshift variant predicted to result in protein truncation or nonsense mediated decay in a gene for which loss of function is a known mechanism of disease; Not observed at significant frequency in large population cohorts (gnomAD); This variant is associated with the following publications: (PMID: 31980526)

Labcorp Genetics (formerly Invitae), Labcorp
Classification: Pathogenic for Congenital disorder of deglycosylation. Last evaluated: 2024-10-17. Review status: criteria provided, single submitter. Criteria: Invitae Variant Classification Sherloc (09022015). Collection method: clinical testing. Allele origin: germline.
Comment: This sequence change creates a premature translational stop signal (p.Leu302Glyfs*24) in the NGLY1 gene. It is expected to result in an absent or disrupted protein product. Loss-of-function variants in NGLY1 are known to be pathogenic (PMID: 24651605). This variant is not present in population databases (gnomAD no frequency). This variant has not been reported in the literature in individuals affected with NGLY1-related conditions. ClinVar contains an entry for this variant (Variation ID: 1458545). For these reasons, this variant has been classified as Pathogenic.

Literature cited by the submitters: PubMed 24651605 (cited by Labcorp Genetics (formerly Invitae), Labcorp).